The following is an entry in ClinVar:

ClinVar aggregate classification (germline): Benign (0 of 4 stars; one submission).

Conditions:
MYO7B-related disorder. Also called: MYO7B-related condition.

Allele frequency attached by ClinVar (database versions not stated): ESP Exome Variant Server 0.31244; TOPMed 0.31640; gnomAD 0.32192; gnomAD exomes 0.32209; 1000 Genomes Project 0.35244; 1000 Genomes Project 30x 0.35384; ExAC 0.39356.
gnomAD v4.1: 513,720 of 1,594,118 alleles (32%); highest among the groups gnomAD compares: South Asian, 48%; 85,037 homozygotes.

Submission:

PreventionGenetics, part of Exact Sciences
Classification: Benign for MYO7B-related condition. Last evaluated: 2019-10-21. Review status: no assertion criteria provided. Collection method: clinical testing. Allele origin: germline.
Comment: This variant is classified as benign based on ACMG/AMP sequence variant interpretation guidelines (Richards et al. 2015 PMID: 25741868, with internal and published modifications).

NM_001393586.1(MYO7B):c.5821-8T>C

Gene: MYO7B (myosin VIIB; plus strand). Cytogenetic location: 2q14.3.
Variant type: single nucleotide variant.
Coding change: c.5821-8T>C on transcript NM_001393586.1 (MANE Select); 8 bases into the intron before coding-DNA position 5821, T replaced by C.
Molecular consequence: intron variant.
Genome position (GRCh38, 1-based): chr2:127,635,714, T>C. VCF-style: chr2-127635714-T-C. GRCh37 (hg19) VCF-style: chr2-128393289-T-C.
Other names: c.5743-8T>C (NM_001080527.2); c.2302-8T>C (NM_001393594.1).
Identifiers: ClinVar variation 3060099 (VCV003060099.2), dbSNP rs2255177, ClinGen allele CA1862455.